The following is an entry in ClinVar:

NM_004655.4(AXIN2):c.1742G>C (p.Arg581Pro)

Gene: AXIN2 (axin 2; minus strand). Cytogenetic location: 17q24.1.
Variant type: single nucleotide variant.
Coding change: c.1742G>C on transcript NM_004655.4 (MANE Select); coding-DNA position 1742, G replaced by C.
Protein change: p.Arg581Pro; replaces arginine 581 with proline.
Molecular consequence: missense variant. On other transcripts: intron variant (1).
Genome position (GRCh38, 1-based): chr17:65,537,034, C>G on the plus strand (G>C on the coding strand, the complement: AXIN2 is on the minus strand). VCF-style: chr17-65537034-C-G. GRCh37 (hg19) VCF-style: chr17-63533152-C-G.
Other names: c.1712+290G>C (NM_001363813.1); short protein forms R581P.
Identifiers: ClinVar variation 3132485 (VCV003132485.2), dbSNP rs730881399, ClinGen allele CA400676706.
Genomic context (GRCh38, chr17:65,537,034, plus strand): 5'-CCGGGGGCCCCTCCTTCCCTGGCGGGCAGGGCCAGGCCCGGCTCCGTGCCTTTCCCATTG[C>G]GTTTGGGCAAGGTACTGCCTCTGCTGCCGCTGTGGGGAACCAAGAACCACACCCAACCCA-3'
Protein context (NP_004646.3, residues 571-591): GGSRGSTLPK[Arg581Pro]NGKGTEPGLA

ClinVar aggregate classification (germline): Uncertain significance. Review status: criteria provided, multiple submitters, no conflicts (2 of 4 stars). 2 submissions from 2 submitters: Uncertain significance (2). Last evaluated 2024-03-28.

Conditions:
Hereditary cancer-predisposing syndrome. Also called: Neoplastic Syndromes, Hereditary; Tumor predisposition; Hereditary neoplastic syndrome; Hereditary Cancer Syndrome. Identifiers: Orphanet 140162, MedGen C0027672, MeSH D009386, MONDO:0015356.

Submissions (2):

GeneDx
Classification: Uncertain significance. Last evaluated: 2024-03-28. Review status: criteria provided, single submitter. Criteria: GeneDx Variant Classification Process June 2021. Collection method: clinical testing. Allele origin: germline. Affected: yes.
Comment: Not observed at significant frequency in large population cohorts (gnomAD); In silico analysis supports that this missense variant has a deleterious effect on protein structure/function; Has not been previously published as pathogenic or benign to our knowledge

Ambry Genetics
Classification: Uncertain significance for Hereditary cancer-predisposing syndrome. Last evaluated: 2023-09-21. Review status: criteria provided, single submitter. Criteria: Ambry Variant Classification Scheme 2023. Collection method: clinical testing. Allele origin: germline.